The following is an entry in ClinVar:

ClinVar aggregate classification (germline): Uncertain significance (1 of 4 stars; one submission).

Conditions:
Intellectual disability, autosomal recessive 53 (NEDHSCA). Also called: GLYCOSYLPHOSPHATIDYLINOSITOL BIOSYNTHESIS DEFECT 13; Mental retardation, autosomal recessive 53; NEURODEVELOPMENTAL DISORDER WITH OR WITHOUT HYPOTONIA, SEIZURES, AND CEREBELLAR ATROPHY. Identifiers: Orphanet 488635, MedGen C4310794, MONDO:0014832, OMIM 616917.

Allele frequency attached by ClinVar (database versions not stated): TOPMed below 0.00001; ExAC 0.00001; gnomAD 0.00001; gnomAD exomes 0.00002.

Submission:

Labcorp Genetics (formerly Invitae), Labcorp
Classification: Uncertain significance for Intellectual disability, autosomal recessive 53. Last evaluated: 2022-07-25. Review status: criteria provided, single submitter. Criteria: Invitae Variant Classification Sherloc (09022015). Collection method: clinical testing. Allele origin: germline.
Comment: This sequence change replaces alanine, which is neutral and non-polar, with serine, which is neutral and polar, at codon 723 of the PIGG protein (p.Ala723Ser). This variant is present in population databases (rs766431104, gnomAD 0.007%). This variant has not been reported in the literature in individuals affected with PIGG-related conditions. ClinVar contains an entry for this variant (Variation ID: 1436738). Algorithms developed to predict the effect of missense changes on protein structure and function are either unavailable or do not agree on the potential impact of this missense change (SIFT: "Tolerated"; PolyPhen-2: "Probably Damaging"; Align-GVGD: "Class C0"). In summary, the available evidence is currently insufficient to determine the role of this variant in disease. Therefore, it has been classified as a Variant of Uncertain Significance.

NM_001127178.3(PIGG):c.2167G>T (p.Ala723Ser)

Gene: PIGG (phosphatidylinositol glycan anchor biosynthesis class G (EMM blood group); plus strand). Cytogenetic location: 4p16.3.
Variant type: single nucleotide variant.
Coding change: c.2167G>T on transcript NM_001127178.3 (MANE Select); coding-DNA position 2167, G replaced by T.
Protein change: p.Ala723Ser; replaces alanine 723 with serine.
Molecular consequence: missense variant. On other transcripts: non-coding transcript variant (10).
Genome position (GRCh38, 1-based): chr4:527,136, G>T. VCF-style: chr4-527136-G-T. GRCh37 (hg19) VCF-style: chr4-520925-G-T.
Other names: c.1900G>T, p.Ala634Ser (NM_001289051.2, NM_001345986.2); c.1768G>T, p.Ala590Ser (NM_001289052.2); c.1876G>T, p.Ala626Ser (NM_001345987.2); c.1138G>T, p.Ala380Ser (NM_001345988.2); c.634G>T, p.Ala212Ser (NM_001345990.2, NM_001345991.2); c.1069G>T, p.Ala357Ser (NM_001345994.2); c.2143G>T, p.Ala715Ser (NM_017733.5); short protein forms A380S, A634S, A212S, A590S, A715S, A723S, A626S, A357S.
Identifiers: ClinVar variation 1436738 (VCV001436738.5), dbSNP rs766431104, ClinGen allele CA2793558.